The following is an entry in ClinVar:

NM_014003.4(DHX38):c.832G>A (p.Ala278Thr)

Gene: DHX38 (DEAH-box helicase 38; plus strand). Cytogenetic location: 16q22.2.
Variant type: single nucleotide variant.
Coding change: c.832G>A on transcript NM_014003.4 (MANE Select); coding-DNA position 832, G replaced by A.
Protein change: p.Ala278Thr; replaces alanine 278 with threonine.
Molecular consequence: missense variant.
Genome position (GRCh38, 1-based): chr16:72,098,994, G>A. VCF-style: chr16-72098994-G-A. GRCh37 (hg19) VCF-style: chr16-72132893-G-A.
Other names: short protein forms A278T.
Identifiers: ClinVar variation 1501792 (VCV001501792.6), dbSNP rs1470105108, ClinGen allele CA396703455.

ClinVar aggregate classification (germline): Uncertain significance (1 of 4 stars; one submission).

Submission:

Labcorp Genetics (formerly Invitae), Labcorp
Classification: Uncertain significance. Last evaluated: 2022-04-12. Review status: criteria provided, single submitter. Criteria: Invitae Variant Classification Sherloc (09022015). Collection method: clinical testing. Allele origin: germline.
Comment: This variant is not present in population databases (gnomAD no frequency). This sequence change replaces alanine, which is neutral and non-polar, with threonine, which is neutral and polar, at codon 278 of the DHX38 protein (p.Ala278Thr). This variant has not been reported in the literature in individuals affected with DHX38-related conditions. In summary, the available evidence is currently insufficient to determine the role of this variant in disease. Therefore, it has been classified as a Variant of Uncertain Significance. Algorithms developed to predict the effect of missense changes on protein structure and function are either unavailable or do not agree on the potential impact of this missense change (SIFT: "Deleterious"; PolyPhen-2: "Benign"; Align-GVGD: "Class C55").